The following is an entry in ClinVar:

NM_001122630.2(CDKN1C):c.319C>T (p.Pro107Ser)

Gene: CDKN1C (cyclin dependent kinase inhibitor 1C; minus strand). Cytogenetic location: 11p15.4.
Variant type: single nucleotide variant.
Coding change: c.319C>T on transcript NM_001122630.2 (MANE Select); coding-DNA position 319, C replaced by T.
Protein change: p.Pro107Ser; replaces proline 107 with serine.
Molecular consequence: missense variant. On other transcripts: intron variant (1).
Genome position (GRCh38, 1-based): chr11:2,885,138, G>A on the plus strand (C>T on the coding strand, the complement: CDKN1C is on the minus strand). VCF-style: chr11-2885138-G-A. GRCh37 (hg19) VCF-style: chr11-2906368-G-A.
Other names: c.352C>T, p.Pro118Ser (NM_000076.2, NM_001362474.2); c.319C>T, p.Pro107Ser (NM_001122631.2); c.255+64C>T (NM_001362475.2); short protein forms P107S, P118S.
Identifiers: ClinVar variation 1063993 (VCV001063993.7), dbSNP rs772684721, ClinGen allele CA379146876.

ClinVar aggregate classification (germline): Uncertain significance (1 of 4 stars; one submission).

Conditions:
Beckwith-Wiedemann syndrome (BWS). Also called: Exomphalos macroglossia gigantism syndrome; EMG SYNDROME. Identifiers: Orphanet 116, MedGen C0004903, MONDO:0007534, OMIM 130650.

gnomAD v4.1: 3 of 1,497,832 alleles (0.0002%); highest among the groups gnomAD compares: South Asian, 0.0026%; no homozygotes.

Submission:

Labcorp Genetics (formerly Invitae), Labcorp
Classification: Uncertain significance for Beckwith-Wiedemann syndrome. Last evaluated: 2023-03-14. Review status: criteria provided, single submitter. Criteria: Invitae Variant Classification Sherloc (09022015). Collection method: clinical testing. Allele origin: germline.
Comment: In summary, the available evidence is currently insufficient to determine the role of this variant in disease. Therefore, it has been classified as a Variant of Uncertain Significance. Advanced modeling of protein sequence and biophysical properties (such as structural, functional, and spatial information, amino acid conservation, physicochemical variation, residue mobility, and thermodynamic stability) performed at Invitae indicates that this missense variant is not expected to disrupt CDKN1C protein function. ClinVar contains an entry for this variant (Variation ID: 1063993). This variant has not been reported in the literature in individuals affected with CDKN1C-related conditions. This variant is not present in population databases (gnomAD no frequency). This sequence change replaces proline, which is neutral and non-polar, with serine, which is neutral and polar, at codon 118 of the CDKN1C protein (p.Pro118Ser).